The following is an entry in ClinVar:

ClinVar aggregate classification (germline): Uncertain significance (1 of 4 stars; one submission).

gnomAD v4.1: 10 of 1,613,924 alleles (0.00062%); highest among the groups gnomAD compares: African/African-American, 0.0027%; no homozygotes.

Submission:

Labcorp Genetics (formerly Invitae), Labcorp
Classification: Uncertain significance. Last evaluated: 2023-02-08. Review status: criteria provided, single submitter. Criteria: Invitae Variant Classification Sherloc (09022015). Collection method: clinical testing. Allele origin: germline.
Comment: This sequence change affects codon 450 of the HYOU1 mRNA. It is a 'silent' change, meaning that it does not change the encoded amino acid sequence of the HYOU1 protein. This variant is present in population databases (no rsID available, gnomAD 0.02%). This variant has not been reported in the literature in individuals affected with HYOU1-related conditions. In summary, the available evidence is currently insufficient to determine the role of this variant in disease. Therefore, it has been classified as a Variant of Uncertain Significance.

NM_006389.5(HYOU1):c.1350G>A (p.Thr450=)

Gene: HYOU1 (hypoxia up-regulated 1; minus strand). Cytogenetic location: 11q23.3.
Variant type: single nucleotide variant.
Coding change: c.1350G>A on transcript NM_006389.5 (MANE Select); coding-DNA position 1350, G replaced by A.
Protein change: p.Thr450=; no amino-acid change (threonine 450 retained).
Molecular consequence: synonymous variant.
Genome position (GRCh38, 1-based): chr11:119,051,614, C>T on the plus strand (G>A on the coding strand, the complement: HYOU1 is on the minus strand). VCF-style: chr11-119051614-C-T. GRCh37 (hg19) VCF-style: chr11-118922326-C-T.
Other names: c.1350G>A, p.Thr450= (NM_001130991.3, NM_001411041.1).
Identifiers: ClinVar variation 2915723 (VCV002915723.3), dbSNP rs781999513, ClinGen allele CA672395222.